The following is an entry in ClinVar:

NM_020702.5(MYORG):c.1118C>A (p.Ala373Asp)

Gene: MYORG (myogenesis regulating glycosidase; minus strand). Cytogenetic location: 9p13.3.
Variant type: single nucleotide variant.
Coding change: c.1118C>A on transcript NM_020702.5 (MANE Select); coding-DNA position 1118, C replaced by A.
Protein change: p.Ala373Asp; replaces alanine 373 with aspartic acid.
Molecular consequence: missense variant.
Genome position (GRCh38, 1-based): chr9:34,371,826, G>T on the plus strand (C>A on the coding strand, the complement: MYORG is on the minus strand). VCF-style: chr9-34371826-G-T. GRCh37 (hg19) VCF-style: chr9-34371824-G-T.
Other names: short protein forms A373D.
Identifiers: ClinVar variation 692174 (VCV000692174.1), dbSNP rs1588004082, ClinGen allele CA373242314.

ClinVar aggregate classification (germline): Uncertain significance (1 of 4 stars; one submission).

Conditions:
Basal ganglia calcification, idiopathic, 7, autosomal recessive. Also called: PRIMARY FAMILIAL BRAIN CALCIFICATION 7, AUTOSOMAL RECESSIVE. Identifiers: MedGen C5193025, MONDO:0032673, OMIM 618317.

Submission:

SIB Swiss Institute of Bioinformatics
Classification: Uncertain significance for Basal ganglia calcification, idiopathic, 7, autosomal recessive. Last evaluated: 2019-06-13. Review status: criteria provided, single submitter. Criteria: ACMG Guidelines, 2015. Collection method: curation. Allele origin: unknown.
Comment: This variant is interpreted as a variant of Uncertain significance for Basal ganglia calcification, idiopathic, 7, autosomal recessive. The following ACMG Tag(s) were applied: PM2, PP3, PP1.

Literature cited by the submitters: PubMed 31009047.